The following is an entry in ClinVar:

NM_000231.3(SGCG):c.196-16T>C

Gene: SGCG (sarcoglycan gamma; plus strand). Cytogenetic location: 13q12.12.
Variant type: single nucleotide variant.
Coding change: c.196-16T>C on transcript NM_000231.3 (MANE Select); 16 bases into the intron before coding-DNA position 196, T replaced by C.
Molecular consequence: intron variant.
Genome position (GRCh38, 1-based): chr13:23,234,595, T>C. VCF-style: chr13-23234595-T-C. GRCh37 (hg19) VCF-style: chr13-23808734-T-C.
Other names: c.250-16T>C (NM_001378244.1); c.196-16T>C (NM_001378245.1, NM_001378246.1).
Identifiers: ClinVar variation 389227 (VCV000389227.10), dbSNP rs370930080, ClinGen allele CA6909609.

ClinVar aggregate classification (germline): Likely benign. Review status: criteria provided, multiple submitters, no conflicts (2 of 4 stars). 3 submissions from 3 submitters: Likely benign (3). Last evaluated 2026-01-26.

Conditions:
Autosomal recessive limb-girdle muscular dystrophy type 2C (LGMDR5). Also called: MUSCULAR DYSTROPHY, LIMB-GIRDLE, AUTOSOMAL RECESSIVE 5; MUSCULAR DYSTROPHY, DUCHENNE-LIKE. Identifiers: Orphanet 353, MedGen C0410173, MONDO:0009677, OMIM 253700. Disease mechanism: Affects gamma-sarcoglycan and also disrupts the integrity of the entire sarcoglycan complex..

Allele frequency attached by ClinVar (database versions not stated): gnomAD 0.00030 and 0.00032; ESP Exome Variant Server 0.00038; TOPMed 0.00040; ExAC 0.00094; gnomAD exomes 0.00127.
gnomAD v4.1: 651 of 1,334,968 alleles (0.049%); highest among the groups gnomAD compares: Admixed American, 0.08%; no homozygotes.

Submissions (3):

Labcorp Genetics (formerly Invitae), Labcorp
Classification: Likely benign for Autosomal recessive limb-girdle muscular dystrophy type 2C. Last evaluated: 2026-01-26. Review status: criteria provided, single submitter. Criteria: Invitae Variant Classification Sherloc (09022015). Collection method: clinical testing. Allele origin: germline.

Blueprint Genetics
Classification: Likely benign. Last evaluated: 2024-09-26. Review status: criteria provided, single submitter. Criteria: ACMG Guidelines, 2015. Collection method: clinical testing. Allele origin: germline.

GeneDx
Classification: Likely benign. Last evaluated: 2017-06-20. Review status: criteria provided, single submitter. Criteria: GeneDx Variant Classification (06012015). Collection method: clinical testing. Allele origin: germline. Affected: yes.
Comment: This variant is considered likely benign or benign based on one or more of the following criteria: it is a conservative change, it occurs at a poorly conserved position in the protein, it is predicted to be benign by multiple in silico algorithms, and/or has population frequency not consistent with disease.